The following is an entry in ClinVar:

NM_001927.4(DES):c.1133A>G (p.Lys378Arg)

Gene: DES (desmin; plus strand). Cytogenetic location: 2q35.
Variant type: single nucleotide variant.
Coding change: c.1133A>G on transcript NM_001927.4 (MANE Select); coding-DNA position 1133, A replaced by G.
Protein change: p.Lys378Arg; replaces lysine 378 with arginine.
Molecular consequence: missense variant. On other transcripts: intron variant (1).
Genome position (GRCh38, 1-based): chr2:219,421,449, A>G. VCF-style: chr2-219421449-A-G. GRCh37 (hg19) VCF-style: chr2-220286171-A-G.
Other names: c.1130A>G, p.Lys377Arg (NM_001382708.1); c.1064A>G, p.Lys355Arg (NM_001382710.1); c.1112A>G, p.Lys371Arg (NM_001382711.1); c.1133A>G, p.Lys378Arg (NM_001382712.1); c.863A>G, p.Lys288Arg (NM_001382713.1); c.736-35A>G (NM_001382709.1); short protein forms K355R, K377R, K288R, K378R, K371R.
Identifiers: ClinVar variation 1489483 (VCV001489483.6), dbSNP rs202010947, ClinGen allele CA350694457.

ClinVar aggregate classification (germline): Uncertain significance (1 of 4 stars; one submission).

Conditions:
Desmin-related myofibrillar myopathy (MFM1). Also called: Desminopathy; Desmin related myopathy (former name); Desmin storage myopathy (former name); MYOFIBRILLAR MYOPATHY WITH ARRHYTHMOGENIC RIGHT VENTRICULAR CARDIOMYOPATHY; DESMIN-RELATED MYOPATHY WITH ARRHYTHMOGENIC RIGHT VENTRICULAR CARDIOMYOPATHY; Myofibrillar myopathy 1. Identifiers: Orphanet 363543, Orphanet 98909, MedGen C1832370, MONDO:0011076, OMIM 601419.

Allele frequency attached by ClinVar (database versions not stated): gnomAD exomes below 0.00001.
gnomAD v4.1: 1 of 1,614,140 alleles (0.000062%); highest among the groups gnomAD compares: Non-Finnish European, 0.000085%; no homozygotes.

Submission:

Labcorp Genetics (formerly Invitae), Labcorp
Classification: Uncertain significance for Desmin-related myofibrillar myopathy. Last evaluated: 2025-02-22. Review status: criteria provided, single submitter. Criteria: Invitae Variant Classification Sherloc (09022015). Collection method: clinical testing. Allele origin: germline.
Comment: This sequence change replaces lysine, which is basic and polar, with arginine, which is basic and polar, at codon 378 of the DES protein (p.Lys378Arg). This variant is not present in population databases (gnomAD no frequency). This variant has not been reported in the literature in individuals affected with DES-related conditions. ClinVar contains an entry for this variant (Variation ID: 1489483). Invitae Evidence Modeling of protein sequence and biophysical properties (such as structural, functional, and spatial information, amino acid conservation, physicochemical variation, residue mobility, and thermodynamic stability) has been performed for this missense variant. However, the output from this modeling did not meet the statistical confidence thresholds required to predict the impact of this variant on DES protein function. In summary, the available evidence is currently insufficient to determine the role of this variant in disease. Therefore, it has been classified as a Variant of Uncertain Significance.